The following is an entry in ClinVar:

NM_014384.3(ACAD8):c.567+2del

Gene: ACAD8 (acyl-CoA dehydrogenase family member 8; plus strand). Cytogenetic location: 11q25.
Variant type: Deletion.
Coding change: c.567+2del on transcript NM_014384.3 (MANE Select); the canonical splice donor site of the intron after coding-DNA position 567, one base deleted (T; older notation c.567+2delT).
Molecular consequence: splice donor variant.
Genome position (GRCh38, 1-based): chr11:134,259,086, T deleted. VCF-style (leftmost placement, unchanged base first): chr11-134259085-GT-G. GRCh37 (hg19) VCF-style: chr11-134128979-GT-G.
Identifiers: ClinVar variation 3625901 (VCV003625901.2).

ClinVar aggregate classification (germline): Pathogenic (1 of 4 stars; one submission).

Conditions:
Deficiency of isobutyryl-CoA dehydrogenase. Also called: IBD DEFICIENCY; ACAD8 DEFICIENCY; ACYL-CoA DEHYDROGENASE FAMILY, MEMBER 8, DEFICIENCY OF. Identifiers: Orphanet 79159, MedGen C1969809, MONDO:0012648, OMIM 611283.

Submission:

Labcorp Genetics (formerly Invitae), Labcorp
Classification: Pathogenic for Deficiency of isobutyryl-CoA dehydrogenase. Last evaluated: 2024-05-23. Review status: criteria provided, single submitter. Criteria: Invitae Variant Classification Sherloc (09022015). Collection method: clinical testing. Allele origin: germline.
Comment: This sequence change affects a splice site in intron 5 of the ACAD8 gene. It is expected to disrupt RNA splicing. Variants that disrupt the donor or acceptor splice site typically lead to a loss of protein function (PMID: 16199547), and loss-of-function variants in ACAD8 are known to be pathogenic (PMID: 16857760). This variant is not present in population databases (gnomAD no frequency). Disruption of this splice site has been observed in individual(s) with biochemical features of isobutyryl-CoA dehydrogenase deficiency (Invitae). Algorithms developed to predict the effect of sequence changes on RNA splicing suggest that this variant may disrupt the consensus splice site. For these reasons, this variant has been classified as Pathogenic.

Literature cited by the submitters: PubMed 16199547; PubMed 16857760.